The following is an entry in ClinVar:

NM_001244008.2(KIF1A):c.3412C>T (p.Pro1138Ser)

Gene: KIF1A (kinesin family member 1A; minus strand). Cytogenetic location: 2q37.3.
Variant type: single nucleotide variant.
Coding change: c.3412C>T on transcript NM_001244008.2 (MANE Select); coding-DNA position 3412, C replaced by T.
Protein change: p.Pro1138Ser; replaces proline 1138 with serine.
Molecular consequence: missense variant.
Genome position (GRCh38, 1-based): chr2:240,745,480, G>A on the plus strand (C>T on the coding strand, the complement: KIF1A is on the minus strand). VCF-style: chr2-240745480-G-A. GRCh37 (hg19) VCF-style: chr2-241684897-G-A.
Other names: c.3109C>T (NM_004321.6); c.3136C>T, p.Pro1046Ser (NM_001320705.2, NM_001330289.2, NM_001379638.1); c.3211C>T, p.Pro1071Ser (NM_001330290.2, NM_001379634.1, NM_001379635.1 and 1 more transcripts); c.3487C>T, p.Pro1163Ser (NM_001379631.1); c.3361C>T, p.Pro1121Ser (NM_001379632.1); c.3385C>T, p.Pro1129Ser (NM_001379633.1, NM_001379642.1, NM_001379645.1); c.3109C>T, p.Pro1037Ser (NM_001379636.1, NM_001379639.1, NM_001379641.1 and 5 more transcripts); c.3184C>T, p.Pro1062Ser (NM_001379637.1, NM_001379648.1); and 1 more; short protein forms P1036S, P1037S, P1046S, P1062S, P1071S, P1121S, P1129S, P1138S.
Identifiers: ClinVar variation 1015262 (VCV001015262.10), dbSNP rs2048479919, ClinGen allele CA351317431.
Genomic context (GRCh38, chr2:240,745,480, plus strand): 5'-AACGTACGTTCTGGACGTGGTAGAAGCCAAGTGGGGGGCCTCTGCCTGTGTTCTTCAGGG[G>A]CTCTGTGGAGAAGGCCTCGTCGTGGCGGTGGATGAAGCTGCAAAGCAGAGGAGATGCTTT-3'
Protein context (NP_001230937.1, residues 1128-1148): HRHDEAFSTE[Pro1138Ser]LKNTGRGPPL

ClinVar aggregate classification (germline): Uncertain significance. Review status: criteria provided, multiple submitters, no conflicts (2 of 4 stars). 2 submissions from 2 submitters: Uncertain significance (2). Last evaluated 2023-07-25.

Conditions:
Neuropathy, hereditary sensory, type 2C. Also called: Hereditary sensory and autonomic neuropathy type IIC; KIF1A-Related HSAN2 (HSAN2C). Identifiers: Orphanet 970, MedGen C3280168, MONDO:0013634, OMIM 614213.
Intellectual disability, autosomal dominant 9 (NESCAVS). Also called: KIF1A-Related Neurodevelopmental Disorder; NESCAV SYNDROME. Identifiers: Orphanet 662367, MedGen C5393830, MONDO:0013656, OMIM 614255.
Hereditary spastic paraplegia 30. Identifiers: Orphanet 101010, MedGen C5235139, MONDO:0012476.

Submissions (2):

GeneDx
Classification: Uncertain significance. Last evaluated: 2023-07-25. Review status: criteria provided, single submitter. Criteria: GeneDx Variant Classification Process June 2021. Collection method: clinical testing. Allele origin: germline. Affected: yes.
Comment: Not observed at significant frequency in large population cohorts (gnomAD); In silico analysis supports that this missense variant has a deleterious effect on protein structure/function; Has not been previously published as pathogenic or benign to our knowledge

Labcorp Genetics (formerly Invitae), Labcorp
Classification: Uncertain significance for Hereditary spastic paraplegia 30; Neuropathy, hereditary sensory, type 2C; Intellectual disability, autosomal dominant 9. Last evaluated: 2023-05-15. Review status: criteria provided, single submitter. Criteria: Invitae Variant Classification Sherloc (09022015). Collection method: clinical testing. Allele origin: germline.
Comment: This variant has not been reported in the literature in individuals affected with KIF1A-related conditions. This variant is not present in population databases (gnomAD no frequency). This sequence change replaces proline, which is neutral and non-polar, with serine, which is neutral and polar, at codon 1037 of the KIF1A protein (p.Pro1037Ser). In summary, the available evidence is currently insufficient to determine the role of this variant in disease. Therefore, it has been classified as a Variant of Uncertain Significance. Advanced modeling of protein sequence and biophysical properties (such as structural, functional, and spatial information, amino acid conservation, physicochemical variation, residue mobility, and thermodynamic stability) performed at Invitae indicates that this missense variant is not expected to disrupt KIF1A protein function. ClinVar contains an entry for this variant (Variation ID: 1015262).